The following is an entry in ClinVar:

ClinVar aggregate classification (germline): Pathogenic (1 of 4 stars; one submission).

Conditions:
Hereditary spastic paraplegia 4. Also called: Spastic paraplegia 4, autosomal dominant; Spastic Paraplegia 4; Familial spastic paraplegia autosomal dominant 2. Identifiers: Orphanet 100985, MedGen C1866855, MONDO:0008438, OMIM 182601.

Submission:

Labcorp Genetics (formerly Invitae), Labcorp
Classification: Pathogenic for Hereditary spastic paraplegia 4. Last evaluated: 2021-12-18. Review status: criteria provided, single submitter. Criteria: Invitae Variant Classification Sherloc (09022015). Collection method: clinical testing. Allele origin: germline.
Comment: This sequence change creates a premature translational stop signal (p.Asn400Metfs*7) in the SPAST gene. It is expected to result in an absent or disrupted protein product. Loss-of-function variants in SPAST are known to be pathogenic (PMID: 20932283). This variant is not present in population databases (gnomAD no frequency). This variant has not been reported in the literature in individuals affected with SPAST-related conditions. For these reasons, this variant has been classified as Pathogenic.

Literature cited by the submitters: PubMed 20932283.

NM_014946.4(SPAST):c.1199del (p.Asn400fs)

Gene: SPAST (spastin; plus strand). Cytogenetic location: 2p22.3.
Variant type: Deletion.
Coding change: c.1199del on transcript NM_014946.4 (MANE Select); coding-DNA position 1199, one base deleted (A; older notation c.1199delA).
Protein change: p.Asn400fs; shifts the reading frame from asparagine 400.
Molecular consequence: frameshift variant.
Genome position (GRCh38, 1-based): chr2:32,128,433, A deleted; the last of 2 consecutive A bases (chr2:32,128,432-32,128,433); deleting either gives the same sequence. VCF-style (leftmost placement, unchanged base first): chr2-32128431-GA-G. GRCh37 (hg19) VCF-style: chr2-32353500-GA-G.
Other names: c.1196del, p.Asn399fs (NM_001363823.2); c.1100del, p.Asn367fs (NM_001363875.2); c.1103del, p.Asn368fs (NM_001377959.1, NM_199436.2); short protein forms N368fs, N400fs, N367fs, N399fs.
Identifiers: ClinVar variation 2046354 (VCV002046354.4), dbSNP rs2465864806, ClinGen allele CA2580066402.